The following is an entry in ClinVar:

NM_144687.4(NLRP12):c.371-43C>T

Gene: NLRP12 (NLR family pyrin domain containing 12; minus strand). Cytogenetic location: 19q13.42.
Variant type: single nucleotide variant.
Coding change: c.371-43C>T on transcript NM_144687.4 (MANE Select); 43 bases into the intron before coding-DNA position 371, C replaced by T.
Molecular consequence: intron variant.
Genome position (GRCh38, 1-based): chr19:53,811,331, G>A on the plus strand (C>T on the coding strand, the complement: NLRP12 is on the minus strand). VCF-style: chr19-53811331-G-A. GRCh37 (hg19) VCF-style: chr19-54314585-G-A.
Other names: c.371-43C>T (NM_001277129.1, NM_001277126.2).
Identifiers: ClinVar variation 1228089 (VCV001228089.6), dbSNP rs6509827, ClinGen allele CA9639739.

ClinVar aggregate classification (germline): Benign. Review status: criteria provided, multiple submitters, no conflicts (2 of 4 stars). 3 submissions from 3 submitters: Benign (3). Last evaluated 2023-11-02.

Allele frequency attached by ClinVar (database versions not stated): TOPMed 0.95279; gnomAD 0.95894 and 0.95970; ESP Exome Variant Server 0.96612; gnomAD exomes 0.97490 and 0.99172; ExAC 0.97661; 1000 Genomes Project 30x 0.93098; 1000 Genomes Project 0.93111.
gnomAD v4.1: 1,592,264 of 1,610,928 alleles (99%); highest among the groups gnomAD compares: Non-Finnish European, 100%; 787,737 homozygotes.

Submissions (3):

Unidad de Genómica Garrahan, Hospital de Pediatría Garrahan
Classification: Benign. Last evaluated: 2023-11-02. Review status: criteria provided, single submitter. Criteria: ACMG Guidelines, 2015. Collection method: clinical testing. Allele origin: germline. Affected: no. Observed: 96 variant alleles.
Comment: This variant is classified as Benign based on local population frequency. This variant was detected in 100% of patients studied by a panel of primary immunodeficiencies. Number of patients: 96. Only high quality variants are reported.

GeneDx
Classification: Benign. Last evaluated: 2021-05-13. Review status: criteria provided, single submitter. Criteria: GeneDx Variant Classification Process June 2021. Collection method: clinical testing. Allele origin: germline. Affected: yes.

Breakthrough Genomics
Classification: Benign. Review status: criteria provided, single submitter. Criteria: ACMG Guidelines, 2015. Collection method: not provided. Allele origin: germline. Inheritance: Autosomal dominant inheritance. Affected: yes.